The following is an entry in ClinVar:

ClinVar aggregate classification (germline): Benign/Likely benign. Review status: criteria provided, multiple submitters, no conflicts (2 of 4 stars). 4 submissions from 4 submitters: Benign (1); Likely benign (3). Last evaluated 2026-01-20.

Conditions:
Inborn genetic diseases. Identifiers: MedGen C0950123, MeSH D030342.

Allele frequency attached by ClinVar (database versions not stated): ExAC 0.00011; gnomAD 0.00011 and 0.00013; gnomAD exomes 0.00011; TOPMed 0.00014; 1000 Genomes Project 30x 0.00031; 1000 Genomes Project 0.00040.
gnomAD v4.1: 131 of 1,592,962 alleles (0.0082%); highest among the groups gnomAD compares: East Asian, 0.067%; no homozygotes.

Submissions (4):

Labcorp Genetics (formerly Invitae), Labcorp
Classification: Benign. Last evaluated: 2026-01-20. Review status: criteria provided, single submitter. Criteria: Invitae Variant Classification Sherloc (09022015). Collection method: clinical testing. Allele origin: germline.

Mayo Clinic Laboratories, Mayo Clinic
Classification: Likely benign. Last evaluated: 2025-01-27. Review status: criteria provided, single submitter. Criteria: ACMG Guidelines, 2015. Collection method: clinical testing. Allele origin: germline. Observed: 1 variant allele.
Comment: BP4, BP7

Blueprint Genetics
Classification: Likely benign. Last evaluated: 2024-09-03. Review status: criteria provided, single submitter. Criteria: ACMG Guidelines, 2015. Collection method: clinical testing. Allele origin: germline.

Ambry Genetics
Classification: Likely benign for Inborn genetic diseases. Last evaluated: 2023-03-03. Review status: criteria provided, single submitter. Criteria: Ambry Variant Classification Scheme 2023. Collection method: clinical testing. Allele origin: germline.

NM_001231.5(CASQ1):c.978C>T (p.Phe326=)

Gene: CASQ1 (calsequestrin 1; plus strand). Cytogenetic location: 1q23.2.
Variant type: single nucleotide variant.
Coding change: c.978C>T on transcript NM_001231.5 (MANE Select); coding-DNA position 978, C replaced by T.
Protein change: p.Phe326=; no amino-acid change (phenylalanine 326 retained).
Molecular consequence: synonymous variant.
Genome position (GRCh38, 1-based): chr1:160,199,047, C>T. VCF-style: chr1-160199047-C-T. GRCh37 (hg19) VCF-style: chr1-160168837-C-T.
Other names: p.Phe326=; c.978C>T (NM_001231.4).
Identifiers: ClinVar variation 1655125 (VCV001655125.12), dbSNP rs202246443, ClinGen allele CA1196405.